The following is an entry in ClinVar:

NM_013450.4(BAZ2B):c.2646T>A (p.Asp882Glu)

Gene: BAZ2B (bromodomain adjacent to zinc finger domain 2B; minus strand). Cytogenetic location: 2q24.2.
Variant type: single nucleotide variant.
Coding change: c.2646T>A on transcript NM_013450.4 (MANE Select); coding-DNA position 2646, T replaced by A.
Protein change: p.Asp882Glu; replaces aspartic acid 882 with glutamic acid.
Molecular consequence: missense variant.
Genome position (GRCh38, 1-based): chr2:159,412,366, A>T on the plus strand (T>A on the coding strand, the complement: BAZ2B is on the minus strand). VCF-style: chr2-159412366-A-T. GRCh37 (hg19) VCF-style: chr2-160268877-A-T.
Other names: c.2538T>A, p.Asp846Glu (NM_001289975.1); c.2457T>A, p.Asp819Glu (NM_001329857.2); c.2544T>A, p.Asp848Glu (NM_001329858.2); short protein forms D819E, D846E, D848E, D882E.
Identifiers: ClinVar variation 3354373 (VCV003354373.1).

ClinVar aggregate classification (germline): Uncertain significance (0 of 4 stars; one submission).

Conditions:
BAZ2B-related disorder. Also called: BAZ2B-related condition.

Submission:

PreventionGenetics, part of Exact Sciences
Classification: Uncertain significance for BAZ2B-related condition. Last evaluated: 2024-09-16. Review status: no assertion criteria provided. Collection method: clinical testing. Allele origin: germline.
Comment: The BAZ2B c.2538T>A variant is predicted to result in the amino acid substitution p.Asp846Glu. To our knowledge, this variant has not been reported in the literature or in a large population database, indicating this variant is rare. At this time, the clinical significance of this variant is uncertain due to the absence of conclusive functional and genetic evidence.